The following is an entry in ClinVar:

NM_198578.4(LRRK2):c.6215G>C (p.Arg2072Thr)

Gene: LRRK2 (leucine rich repeat kinase 2; plus strand). Cytogenetic location: 12q12.
Variant type: single nucleotide variant.
Coding change: c.6215G>C on transcript NM_198578.4 (MANE Select); coding-DNA position 6215, G replaced by C.
Protein change: p.Arg2072Thr; replaces arginine 2072 with threonine.
Molecular consequence: missense variant.
Genome position (GRCh38, 1-based): chr12:40,346,858, G>C. VCF-style: chr12-40346858-G-C. GRCh37 (hg19) VCF-style: chr12-40740660-G-C.
Other names: short protein forms R2072T.
Identifiers: ClinVar variation 1752235 (VCV001752235.5), dbSNP rs933468976, ClinGen allele CA235338805.
Genomic context (GRCh38, chr12:40,346,858, plus strand): 5'-AACAGGCTGATGTTTATTCATTTGGTTTACTACTCTATGACATTTTGACAACTGGAGGTA[G>C]AATAGTAGAGGGTTTGAAGTTTCCAAATGAGTTTGATGAATTAGAAATACAAGGAAAATT-3'
Protein context (NP_940980.4, residues 2062-2082): LLYDILTTGG[Arg2072Thr]IVEGLKFPNE

ClinVar aggregate classification (germline): Uncertain significance. Review status: criteria provided, multiple submitters, no conflicts (2 of 4 stars). 2 submissions from 2 submitters: Uncertain significance (2). Last evaluated 2026-02-27.

Conditions:
Inborn genetic diseases. Identifiers: MedGen C0950123, MeSH D030342.
Autosomal dominant Parkinson disease 8. Also called: Parkinson disease 8, susceptibility to; LRRK2-Related Parkinson Disease; Parkinson disease 8. Identifiers: Orphanet 411602, MedGen C1846862, MONDO:0011764, OMIM 607060.

Allele frequency attached by ClinVar (database versions not stated): gnomAD exomes below 0.00001.
gnomAD v4.1: 1 of 1,613,822 alleles (0.000062%); highest among the groups gnomAD compares: Non-Finnish European, 0.000085%; no homozygotes.

Submissions (2):

Ambry Genetics
Classification: Uncertain significance for Inborn genetic diseases. Last evaluated: 2026-02-27. Review status: criteria provided, single submitter. Criteria: Ambry Variant Classification Scheme 2023. Collection method: clinical testing. Allele origin: germline.

Labcorp Genetics (formerly Invitae), Labcorp
Classification: Uncertain significance for Autosomal dominant Parkinson disease 8. Last evaluated: 2025-07-11. Review status: criteria provided, single submitter. Criteria: Invitae Variant Classification Sherloc (09022015). Collection method: clinical testing. Allele origin: germline.
Comment: This sequence change replaces arginine, which is basic and polar, with threonine, which is neutral and polar, at codon 2072 of the LRRK2 protein (p.Arg2072Thr). This variant is not present in population databases (gnomAD no frequency). This variant has not been reported in the literature in individuals affected with LRRK2-related conditions. ClinVar contains an entry for this variant (Variation ID: 1752235). Invitae Evidence Modeling of protein sequence and biophysical properties (such as structural, functional, and spatial information, amino acid conservation, physicochemical variation, residue mobility, and thermodynamic stability) has been performed for this missense variant. However, the output from this modeling did not meet the statistical confidence thresholds required to predict the impact of this variant on LRRK2 protein function. In summary, the available evidence is currently insufficient to determine the role of this variant in disease. Therefore, it has been classified as a Variant of Uncertain Significance.